The following is an entry in ClinVar:

NM_001374736.1(DST):c.12087A>T (p.Ser4029=)

Gene: DST (dystonin; minus strand). Cytogenetic location: 6p12.1.
Variant type: single nucleotide variant.
Coding change: c.12087A>T on transcript NM_001374736.1 (MANE Select); coding-DNA position 12087, A replaced by T.
Protein change: p.Ser4029=; no amino-acid change (serine 4029 retained).
Molecular consequence: synonymous variant.
Genome position (GRCh38, 1-based): chr6:56,597,848, T>A on the plus strand (A>T on the coding strand, the complement: DST is on the minus strand). VCF-style: chr6-56597848-T-A. GRCh37 (hg19) VCF-style: chr6-56462646-T-A.
Other names: c.5730A>T, p.Ser1910= (NM_001144769.5); c.5316A>T, p.Ser1772= (NM_001144770.2); c.12087A>T, p.Ser4029= (NM_001374722.1); c.11454A>T, p.Ser3818= (NM_001374729.1); c.5196A>T, p.Ser1732= (NM_001374730.1, NM_001386100.1, NM_183380.4); c.12114A>T, p.Ser4038= (NM_001374734.1); c.4218A>T, p.Ser1406= (NM_015548.5).
Identifiers: ClinVar variation 2006624 (VCV002006624.4), dbSNP rs2536233593, ClinGen allele CA450489485.

ClinVar aggregate classification (germline): Uncertain significance (1 of 4 stars; one submission).

Conditions:
Hereditary sensory and autonomic neuropathy type 6. Also called: HSAN VI; Neuropathy, hereditary sensory and autonomic, type VI. Identifiers: Orphanet 314381, MedGen C3539003, MONDO:0013839, OMIM 614653.
Epidermolysis bullosa simplex 3, localized or generalized intermediate, with BP230 deficiency (EBS3). Also called: Epidermolysis bullosa simplex due to BP230 deficiency; Epidermolysis bullosa simplex, autosomal recessive 2. Identifiers: Orphanet 412181, MedGen C3809470, MONDO:0014180, OMIM 615425.

Submission:

Labcorp Genetics (formerly Invitae), Labcorp
Classification: Uncertain significance for Epidermolysis bullosa simplex 3, localized or generalized intermediate, with BP230 deficiency; Hereditary sensory and autonomic neuropathy type 6. Last evaluated: 2022-06-14. Review status: criteria provided, single submitter. Criteria: Invitae Variant Classification Sherloc (09022015). Collection method: clinical testing. Allele origin: germline.
Comment: The DST gene has multiple clinically relevant transcripts. This variant occurs in alternate transcript NM_015548.4, and corresponds to NM_001723.5:c.*17669A>T in the primary transcript. This sequence change affects codon 1406 of the DST mRNA. It is a 'silent' change, meaning that it does not change the encoded amino acid sequence of the DST protein. This variant is not present in population databases (gnomAD no frequency). This variant has not been reported in the literature in individuals affected with DST-related conditions. Experimental studies and prediction algorithms are not available or were not evaluated, and the effect of this variant on mRNA splicing is currently unknown. In summary, the available evidence is currently insufficient to determine the role of this variant in disease. Therefore, it has been classified as a Variant of Uncertain Significance.